The following is an entry in ClinVar:

NM_020738.4(KIDINS220):c.2940A>G (p.Ser980=)

Gene: KIDINS220 (kinase D interacting substrate 220; minus strand). Cytogenetic location: 2p25.1.
Variant type: single nucleotide variant.
Coding change: c.2940A>G on transcript NM_020738.4 (MANE Select); coding-DNA position 2940, A replaced by G.
Protein change: p.Ser980=; no amino-acid change (serine 980 retained).
Molecular consequence: synonymous variant. On other transcripts: non-coding transcript variant (2).
Genome position (GRCh38, 1-based): chr2:8,770,741, T>C on the plus strand (A>G on the coding strand, the complement: KIDINS220 is on the minus strand). VCF-style: chr2-8770741-T-C. GRCh37 (hg19) VCF-style: chr2-8910871-T-C.
Other names: c.2814A>G, p.Ser938= (NM_001348736.2); c.2940A>G, p.Ser980= (NM_001348738.2, NM_001348741.2, NM_001348742.2 and 3 more transcripts); c.2943A>G, p.Ser981= (NM_001348739.2, NM_001348740.2, NM_001348745.2 and 3 more transcripts); c.2940A>G (NM_020738.2).
Identifiers: ClinVar variation 2187323 (VCV002187323.6), dbSNP rs1341184987, ClinGen allele CA424780494.

ClinVar aggregate classification (germline): Likely benign. Review status: criteria provided, single submitter (1 of 4 stars). 2 submissions from 2 submitters: Likely benign (1). 1 of the submissions does not count toward it. Last evaluated 2022-07-20.

Conditions:
KIDINS220-related disorder. Also called: KIDINS220-related condition.

Allele frequency attached by ClinVar (database versions not stated): TOPMed below 0.00001.
gnomAD v4.1: 6 of 1,612,402 alleles (0.00037%); highest among the groups gnomAD compares: East Asian, 0.0022%; 1 homozygote.

Submissions (2):

Labcorp Genetics (formerly Invitae), Labcorp
Classification: Likely benign. Last evaluated: 2022-07-20. Review status: criteria provided, single submitter. Criteria: Invitae Variant Classification Sherloc (09022015). Collection method: clinical testing. Allele origin: germline.

PreventionGenetics, part of Exact Sciences
Classification: Likely benign for KIDINS220-related condition. Last evaluated: 2022-01-21. Review status: no assertion criteria provided. Collection method: clinical testing. Allele origin: germline. Not counted in ClinVar's aggregate classification.
Comment: This variant is classified as likely benign based on ACMG/AMP sequence variant interpretation guidelines (Richards et al. 2015 PMID: 25741868, with internal and published modifications).